The following is an entry in ClinVar:

ClinVar aggregate classification (germline): Uncertain significance (1 of 4 stars; one submission).

Submission:

GeneDx
Classification: Uncertain significance. Last evaluated: 2023-04-05. Review status: criteria provided, single submitter. Criteria: GeneDx Variant Classification Process June 2021. Collection method: clinical testing. Allele origin: germline. Affected: yes.
Comment: Not observed at significant frequency in large population cohorts (gnomAD); Nonsense variant predicted to result in protein truncation as the last 371 amino acids are lost, although loss-of-function variants have not been reported downstream of this position in the protein; Has not been previously published as pathogenic or benign to our knowledge

NM_000891.3(KCNJ2):c.169C>T (p.Gln57Ter)

Gene: KCNJ2 (potassium inwardly rectifying channel subfamily J member 2; plus strand). Cytogenetic location: 17q24.3.
Variant type: single nucleotide variant.
Coding change: c.169C>T on transcript NM_000891.3 (MANE Select); coding-DNA position 169, C replaced by T.
Protein change: p.Gln57Ter; replaces glutamine 57 with a stop codon.
Molecular consequence: nonsense.
Genome position (GRCh38, 1-based): chr17:70,175,208, C>T. VCF-style: chr17-70175208-C-T. GRCh37 (hg19) VCF-style: chr17-68171349-C-T.
Other names: short protein forms Q57*.
Identifiers: ClinVar variation 2662019 (VCV002662019.1), dbSNP rs2509920857, ClinGen allele CA400860022.